The following is an entry in ClinVar:

NM_000548.5(TSC2):c.4963G>A (p.Glu1655Lys)

Gene: TSC2 (TSC complex subunit 2; plus strand). Cytogenetic location: 16p13.3.
Variant type: single nucleotide variant.
Coding change: c.4963G>A on transcript NM_000548.5 (MANE Select); coding-DNA position 4963, G replaced by A.
Protein change: p.Glu1655Lys; replaces glutamic acid 1655 with lysine.
Molecular consequence: missense variant. On other transcripts: non-coding transcript variant (5).
Genome position (GRCh38, 1-based): chr16:2,086,845, G>A. VCF-style: chr16-2086845-G-A. GRCh37 (hg19) VCF-style: chr16-2136846-G-A.
Other names: c.3160G>A, p.Glu1054Lys (NM_001406698.1); c.4834G>A, p.Glu1612Lys (NM_021055.3, NM_001370405.1); c.4762G>A, p.Glu1588Lys (NM_001077183.3); c.4894G>A, p.Glu1632Lys (NM_001114382.3); c.4654G>A, p.Glu1552Lys (NM_001318827.2); c.4618G>A, p.Glu1540Lys (NM_001318829.2); c.4231G>A, p.Glu1411Lys (NM_001318831.2); c.4795G>A, p.Glu1599Lys (NM_001318832.2); and 26 more; short protein forms E1054K, E1140K, E1141K, E1163K, E1164K, E1184K, E1388K, E1389K.
Identifiers: ClinVar variation 4866065 (VCV004866065.1).

ClinVar aggregate classification (germline): Uncertain significance (1 of 4 stars; one submission).

Conditions:
Hereditary cancer-predisposing syndrome. Also called: Neoplastic Syndromes, Hereditary; Tumor predisposition; Hereditary Cancer Syndrome; Hereditary neoplastic syndrome. Identifiers: Orphanet 140162, MedGen C0027672, MeSH D009386, MONDO:0015356.

Submission:

Ambry Genetics
Classification: Uncertain significance for Hereditary cancer-predisposing syndrome. Last evaluated: 2026-03-23. Review status: criteria provided, single submitter. Criteria: Ambry Variant Classification Scheme 2023. Collection method: clinical testing. Allele origin: germline.
Comment: The c.4963G>A variant (also known as p.E1655K), located in coding exon 37 of the TSC2 gene, results from a G to A substitution at nucleotide position 4963. The glutamic acid at codon 1655 is replaced by lysine, an amino acid with similar properties. This nucleotide position is highly conserved in available vertebrate species. In silico splice site analysis predicts that this alteration will result in the creation or strengthening of a novel splice donor site. RNA studies have demonstrated that this variant results in a splice defect; the clinical impact of this abnormal splicing is unknown at this time (Ambry internal data). This amino acid position is highly conserved in available vertebrate species. In addition, this alteration is predicted to be deleterious by in silico analysis. Based on the available evidence, the clinical significance of this variant remains unclear.